The following is an entry in ClinVar:

ClinVar aggregate classification (germline): Uncertain significance (1 of 4 stars; one submission).

Conditions:
Dilated cardiomyopathy 1G (CMD1G). Identifiers: Orphanet 154, MedGen C1858763, MONDO:0011400, OMIM 604145.
Autosomal recessive limb-girdle muscular dystrophy type 2J (LGMDR10). Also called: Limb-girdle muscular dystrophy, type 2J; MUSCULAR DYSTROPHY, LIMB-GIRDLE, AUTOSOMAL RECESSIVE 10. Identifiers: Orphanet 140922, MedGen C1837342, MONDO:0012127, OMIM 608807.

Allele frequency attached by ClinVar (database versions not stated): TOPMed below 0.00001; ExAC 0.00001; gnomAD 0.00001.
gnomAD v4.1: 1 of 1,612,888 alleles (0.000062%); highest among the groups gnomAD compares: African/African-American, 0.0013%; no homozygotes.

Submission:

Labcorp Genetics (formerly Invitae), Labcorp
Classification: Uncertain significance for Dilated cardiomyopathy 1G; Autosomal recessive limb-girdle muscular dystrophy type 2J. Last evaluated: 2023-12-23. Review status: criteria provided, single submitter. Criteria: Invitae Variant Classification Sherloc (09022015). Collection method: clinical testing. Allele origin: germline.
Comment: This sequence change replaces glutamic acid, which is acidic and polar, with aspartic acid, which is acidic and polar, at codon 34057 of the TTN protein (p.Glu34057Asp). This variant is present in population databases (rs767376871, gnomAD 0.007%). This variant has not been reported in the literature in individuals affected with TTN-related conditions. Algorithms developed to predict the effect of missense changes on protein structure and function output the following: SIFT: "Not Available"; PolyPhen-2: "Not Available"; Align-GVGD: "Not Available". The aspartic acid amino acid residue is found in multiple mammalian species, which suggests that this missense change does not adversely affect protein function. This variant is located in the M band of TTN (PMID: 25589632). Non-truncating variants in this region may be relevant for neuromuscular disorders, but have not been definitively shown to cause cardiomyopathy (PMID: 23975875). In summary, the available evidence is currently insufficient to determine the role of this variant in disease. Therefore, it has been classified as a Variant of Uncertain Significance.

Literature cited by the submitters: PubMed 25589632; PubMed 23975875.

NM_001267550.2(TTN):c.102171G>C (p.Glu34057Asp)

Genes: TTN (titin; minus strand), TTN-AS1 (TTN antisense RNA 1; plus strand). Cytogenetic location: 2q31.2.
Variant type: single nucleotide variant.
Coding change: c.102171G>C on transcript NM_001267550.2 (MANE Select); coding-DNA position 102171, G replaced by C.
Protein change: p.Glu34057Asp; replaces glutamic acid 34057 with aspartic acid.
Molecular consequence: missense variant.
Genome position (GRCh38, 1-based): chr2:178,534,444, C>G on the plus strand (G>C on the coding strand, the complement: TTN is on the minus strand). VCF-style: chr2-178534444-C-G. GRCh37 (hg19) VCF-style: chr2-179399171-C-G.
Other names: c.97248G>C, p.Glu32416Asp (NM_001256850.1); c.74976G>C, p.Glu24992Asp (NM_003319.4); c.94467G>C, p.Glu31489Asp (NM_133378.4); c.75351G>C, p.Glu25117Asp (NM_133432.3); c.75552G>C, p.Glu25184Asp (NM_133437.4); short protein forms E25117D, E25184D, E31489D, E32416D, E24992D, E34057D.
Identifiers: ClinVar variation 2926002 (VCV002926002.3), dbSNP rs767376871, ClinGen allele CA1985800.
Genomic context (GRCh38, chr2:178,534,444, plus strand): 5'-TATCTTCTGCTTCAACCATGGGTGCTGGAGAGCCTCCGATGCTGTCATGCGAGATTTCCT[C>G]TCTTTCACTAACAACCGGTCAACAAAATCCATGGCTTCAATGCTAATCTCTTTGAATGCT-3'
Protein context (NP_001254479.2, residues 34047-34067): MDFVDRLLVK[Glu34057Asp]RKSRMTASEA